The following is an entry in ClinVar:

ClinVar aggregate classification (germline): Uncertain significance (1 of 4 stars; one submission).

Conditions:
Early-infantile DEE. Also called: Ohtahara syndrome; Early infantile epileptic encephalopathy with suppression bursts; Early infantile epileptic encephalopathy. Identifiers: Orphanet 1934, MedGen C0393706, MONDO:0800491.

Submission:

Labcorp Genetics (formerly Invitae), Labcorp
Classification: Uncertain significance for Early-infantile DEE. Last evaluated: 2025-02-12. Review status: criteria provided, single submitter. Criteria: Invitae Variant Classification Sherloc (09022015). Collection method: clinical testing. Allele origin: germline.
Comment: This sequence change replaces threonine, which is neutral and polar, with arginine, which is basic and polar, at codon 696 of the KCNQ2 protein (p.Thr696Arg). This variant is not present in population databases (gnomAD no frequency). This variant has not been reported in the literature in individuals affected with KCNQ2-related conditions. Invitae Evidence Modeling of protein sequence and biophysical properties (such as structural, functional, and spatial information, amino acid conservation, physicochemical variation, residue mobility, and thermodynamic stability) has been performed for this missense variant. However, the output from this modeling did not meet the statistical confidence thresholds required to predict the impact of this variant on KCNQ2 protein function. In summary, the available evidence is currently insufficient to determine the role of this variant in disease. Therefore, it has been classified as a Variant of Uncertain Significance.

NM_172107.4(KCNQ2):c.2087C>G (p.Thr696Arg)

Gene: KCNQ2 (potassium voltage-gated channel subfamily Q member 2; minus strand). Cytogenetic location: 20q13.33.
Variant type: single nucleotide variant.
Coding change: c.2087C>G on transcript NM_172107.4 (MANE Select); coding-DNA position 2087, C replaced by G.
Protein change: p.Thr696Arg; replaces threonine 696 with arginine.
Molecular consequence: missense variant.
Genome position (GRCh38, 1-based): chr20:63,407,176, G>C on the plus strand (C>G on the coding strand, the complement: KCNQ2 is on the minus strand). VCF-style: chr20-63407176-G-C. GRCh37 (hg19) VCF-style: chr20-62038529-G-C.
Other names: c.2141C>G, p.Thr714Arg (NM_001382235.1); c.2030C>G, p.Thr677Arg (NM_001439003.1); c.2000C>G, p.Thr667Arg (NM_001439004.1); c.2003C>G, p.Thr668Arg (NM_004518.6); c.2033C>G, p.Thr678Arg (NM_172106.3); c.1994C>G, p.Thr665Arg (NM_172108.5); short protein forms T668R, T696R, T667R, T714R, T677R, T665R, T678R.
Identifiers: ClinVar variation 4747408 (VCV004747408.1).
Genomic context (GRCh38, chr20:63,407,176, plus strand): 5'-GTGGAGGGCGGACACTGGACAGGGGGCGCGGCCGGGGGCGCCGAGAAGTTCTTCTGGCCC[G>C]TGGAGCTGCTGGAGCGCACGATCTTGACAATGCAGCCGTGCCTGTCGACATGCTCCCGGC-3'
Protein context (NP_742105.1, residues 686-706): IVKIVRSSSS[Thr696Arg]GQKNFSAPPA